The following is an entry in ClinVar:

ClinVar aggregate classification (germline): Conflicting classifications of pathogenicity. Review status: criteria provided, conflicting classifications (1 of 4 stars). 2 submissions from 1 submitter: Uncertain significance (1); Likely benign (1). Last evaluated 2018-01-12.

Conditions:
Mitochondrial complex I deficiency, nuclear type 1. Also called: NADH-COENZYME Q REDUCTASE DEFICIENCY; MITOCHONDRIAL NADH DEHYDROGENASE COMPONENT OF COMPLEX I, DEFICIENCY OF. Identifiers: MedGen C6022305, MONDO:0100224, OMIM 252010.
Leigh syndrome (NULS). Also called: Leigh Disease; Subacute necrotizing encephalopathy; Leigh Syndrome (mtDNA deletion); Leigh's syndrome; Leigh's necrotizing encephalopathy; Leigh's disease. Identifiers: Orphanet 506, MedGen C2931891, MONDO:0009723, OMIM 256000.

Allele frequency attached by ClinVar (database versions not stated): gnomAD exomes 0.00031; TOPMed 0.00041; gnomAD 0.00078 and 0.00027; 1000 Genomes Project 30x 0.00422; 1000 Genomes Project 0.00459.
gnomAD v4.1: 410 of 988,426 alleles (0.041%); highest among the groups gnomAD compares: South Asian, 1.3%; 5 homozygotes.

Submissions (2):

Illumina Laboratory Services, Illumina
Classification: Uncertain significance for Mitochondrial complex I deficiency, nuclear type 1. Last evaluated: 2018-01-12. Review status: criteria provided, single submitter. Criteria: ICSL Variant Classification Criteria 13 December 2019. Collection method: clinical testing. Allele origin: germline.

Illumina Laboratory Services, Illumina
Classification: Likely benign for Leigh syndrome. Last evaluated: 2018-01-12. Review status: criteria provided, single submitter. Criteria: ICSL Variant Classification Criteria 13 December 2019. Collection method: clinical testing. Allele origin: germline.
Comment: This variant was observed in the ICSL laboratory as part of a predisposition screen in an ostensibly healthy population. It had not been previously curated by ICSL or reported in the Human Gene Mutation Database (HGMD: prior to June 1st, 2018), and was therefore a candidate for classification through an automated scoring system. Utilizing variant allele frequency, disease prevalence and penetrance estimates, and inheritance mode, an automated score was calculated to assess if this variant is too frequent to cause the disease. Based on the score and internal cut-off values, a variant classified as likely benign is not then subjected to further curation. The score for this variant resulted in a classification of likely benign for this disease.

NM_004544.4(NDUFA10):c.*679A>G

Gene: NDUFA10 (NADH:ubiquinone oxidoreductase subunit A10; minus strand). Cytogenetic location: 2q37.3.
Variant type: single nucleotide variant.
Coding change: c.*679A>G on transcript NM_004544.4 (MANE Select); 679 bases downstream of the stop codon, A replaced by G.
Molecular consequence: 3 prime UTR variant. On other transcripts: non-coding transcript variant (3).
Genome position (GRCh38, 1-based): chr2:239,960,439, T>C on the plus strand (A>G on the coding strand, the complement: NDUFA10 is on the minus strand). VCF-style: chr2-239960439-T-C. GRCh37 (hg19) VCF-style: chr2-240899856-T-C.
Other names: c.*684A>G (NM_001322020.2).
Identifiers: ClinVar variation 897056 (VCV000897056.4), dbSNP rs374065697, ClinGen allele CA68048533.
Genomic context (GRCh38, chr2:239,960,439, plus strand): 5'-AGAGTATATTATTTTGCTTTTGCATCTTATGTCATCAACAGCCTAAGCTCAAATCTCCCT[T>C]CAAAGGAGTTTGAGACGCTGAGGACGGCCACGTGAATCTTTCTCAACGTCTCTCTTAAAA-3'